The following is an entry in ClinVar:

ClinVar aggregate classification (germline): Pathogenic (1 of 4 stars; one submission).

Conditions:
Primary ciliary dyskinesia. Also called: Ciliary dyskinesia. Identifiers: Orphanet 244, MedGen C0008780, MONDO:0016575, HP:0012265.

Allele frequency attached by ClinVar (database versions not stated): gnomAD exomes below 0.00001; gnomAD 0.00001; TOPMed 0.00001.
gnomAD v4.1: 4 of 1,611,606 alleles (0.00025%); highest among the groups gnomAD compares: Non-Finnish European, 0.00034%; no homozygotes.

Submission:

Labcorp Genetics (formerly Invitae), Labcorp
Classification: Pathogenic for Primary ciliary dyskinesia. Last evaluated: 2020-03-10. Review status: criteria provided, single submitter. Criteria: Invitae Variant Classification Sherloc (09022015). Collection method: clinical testing. Allele origin: germline.
Comment: For these reasons, this variant has been classified as Pathogenic. Donor and acceptor splice site variants typically lead to a loss of protein function (PMID: 16199547), and loss-of-function variants in DNAH11 are known to be pathogenic (PMID: 18022865, 20513915, 22184204). This sequence change affects a donor splice site in intron 44 of the DNAH11 gene. It is expected to disrupt RNA splicing and likely results in an absent or disrupted protein product. This variant is not present in population databases (ExAC no frequency). This variant has been observed to segregate with primary ciliary dyskinesia in a family (PMID: 22184204). Algorithms developed to predict the effect of sequence changes on RNA splicing suggest that this variant may disrupt the consensus splice site, but this prediction has not been confirmed by published transcriptional studies.

Literature cited by the submitters: PubMed 16199547; PubMed 18022865; PubMed 20513915; PubMed 22184204.

NM_001277115.2(DNAH11):c.7266+1G>A

Gene: DNAH11 (dynein axonemal heavy chain 11; plus strand). Cytogenetic location: 7p15.3.
Variant type: single nucleotide variant.
Coding change: c.7266+1G>A on transcript NM_001277115.2 (MANE Select); the canonical splice donor site of the intron after coding-DNA position 7266, G replaced by A.
Molecular consequence: splice donor variant.
Genome position (GRCh38, 1-based): chr7:21,720,857, G>A. VCF-style: chr7-21720857-G-A. GRCh37 (hg19) VCF-style: chr7-21760475-G-A.
Identifiers: ClinVar variation 644117 (VCV000644117.7), dbSNP rs72657354, ClinGen allele CA155088794.
Genomic context (GRCh38, chr7:21,720,857, plus strand): 5'-GAAGTCTATTTTGTATTTGCTTGTATCTGGGCTTTTGGAGGCACCCTGCTACAAGATCAG[G>A]TATGTTTAGAAATAGTTTACAGGACCAGTTTCCAGTTTTGTGTGGGACAGGGTCATGGGG-3'